The following is an entry in ClinVar:

NM_000628.5(IL10RB):c.85A>G (p.Met29Val)

Genes: IFNAR2-IL10RB (IFNAR2-IL10RB readthrough; plus strand), IL10RB (interleukin 10 receptor subunit beta; plus strand). Cytogenetic location: 21q22.11.
Variant type: single nucleotide variant.
Coding change: c.85A>G on transcript NM_000628.5 (MANE Select); coding-DNA position 85, A replaced by G.
Protein change: p.Met29Val; replaces methionine 29 with valine.
Molecular consequence: missense variant.
Genome position (GRCh38, 1-based): chr21:33,268,429, A>G. VCF-style: chr21-33268429-A-G. GRCh37 (hg19) VCF-style: chr21-34640734-A-G.
Other names: c.85A>G (NM_000628.3); short protein forms M29V.
Identifiers: ClinVar variation 1423543 (VCV001423543.9), dbSNP rs975065416, ClinGen allele CA320141862.
Genomic context (GRCh38, chr21:33,268,429, plus strand): 5'-AAATGTTTTTGTCTTATTTTCATAGCATTGGGAATGGTACCACCTCCCGAAAATGTCAGA[A>G]TGAATTCTGTTAATTTCAAGAACATTCTACAGTGGGAGTCACCTGCTTTTGCCAAAGGGA-3'
Protein context (NP_000619.3, residues 19-39): GMVPPPENVR[Met29Val]NSVNFKNILQ

ClinVar aggregate classification (germline): Uncertain significance. Review status: criteria provided, multiple submitters, no conflicts (2 of 4 stars). 2 submissions from 2 submitters: Uncertain significance (2). Last evaluated 2023-07-16.

Conditions:
Inborn genetic diseases. Identifiers: MedGen C0950123, MeSH D030342.
Inflammatory bowel disease 25. Also called: Inflammatory bowel disease 25, early onset, autosomal recessive. Identifiers: Orphanet 238569, MedGen C2675508, MONDO:0012941, OMIM 612567.

Allele frequency attached by ClinVar (database versions not stated): gnomAD exomes below 0.00001.

Submissions (2):

Labcorp Genetics (formerly Invitae), Labcorp
Classification: Uncertain significance for Inflammatory bowel disease 25. Last evaluated: 2023-07-16. Review status: criteria provided, single submitter. Criteria: Invitae Variant Classification Sherloc (09022015). Collection method: clinical testing. Allele origin: germline.
Comment: This variant has not been reported in the literature in individuals affected with IL10RB-related conditions. This sequence change replaces methionine, which is neutral and non-polar, with valine, which is neutral and non-polar, at codon 29 of the IL10RB protein (p.Met29Val). This variant is present in population databases (no rsID available, gnomAD 0.003%). ClinVar contains an entry for this variant (Variation ID: 1423543). Advanced modeling of protein sequence and biophysical properties (such as structural, functional, and spatial information, amino acid conservation, physicochemical variation, residue mobility, and thermodynamic stability) performed at Invitae indicates that this missense variant is not expected to disrupt IL10RB protein function. In summary, the available evidence is currently insufficient to determine the role of this variant in disease. Therefore, it has been classified as a Variant of Uncertain Significance.

Ambry Genetics
Classification: Uncertain significance for Inborn genetic diseases. Last evaluated: 2022-05-27. Review status: criteria provided, single submitter. Criteria: Ambry Variant Classification Scheme 2023. Collection method: clinical testing. Allele origin: germline.